The following is an entry in ClinVar:

ClinVar aggregate classification (germline): Uncertain significance. Review status: criteria provided, multiple submitters, no conflicts (2 of 4 stars). 3 submissions from 3 submitters: Uncertain significance (3). Last evaluated 2025-08-05.

Conditions:
Inborn genetic diseases. Identifiers: MedGen C0950123, MeSH D030342.
Leber congenital amaurosis 9 (LCA9). Also called: LCA9 Leber Congenital Amaurosis; LCA 9; Amaurosis congenita of Leber, type 9. Identifiers: Orphanet 65, MedGen C1837873, MONDO:0012056, OMIM 608553.

Allele frequency attached by ClinVar (database versions not stated): gnomAD exomes below 0.00001; gnomAD 0.00001 and 0.00002; TOPMed 0.00002; 1000 Genomes Project 30x 0.00016; 1000 Genomes Project 0.00020.
gnomAD v4.1: 54 of 1,613,388 alleles (0.0033%); highest among the groups gnomAD compares: Non-Finnish European, 0.0046%; no homozygotes.

Submissions (3):

Ambry Genetics
Classification: Uncertain significance for Inborn genetic diseases. Last evaluated: 2025-08-05. Review status: criteria provided, single submitter. Criteria: Ambry Variant Classification Scheme 2023. Collection method: clinical testing. Allele origin: germline.

Labcorp Genetics (formerly Invitae), Labcorp
Classification: Uncertain significance for Leber congenital amaurosis 9. Last evaluated: 2022-08-09. Review status: criteria provided, single submitter. Criteria: Invitae Variant Classification Sherloc (09022015). Collection method: clinical testing. Allele origin: germline.
Comment: In summary, the available evidence is currently insufficient to determine the role of this variant in disease. Therefore, it has been classified as a Variant of Uncertain Significance. Algorithms developed to predict the effect of missense changes on protein structure and function (SIFT, PolyPhen-2, Align-GVGD) all suggest that this variant is likely to be tolerated. ClinVar contains an entry for this variant (Variation ID: 1397175). This variant has not been reported in the literature in individuals affected with NMNAT1-related conditions. This variant is present in population databases (rs200333003, gnomAD 0.0009%). This sequence change replaces glutamine, which is neutral and polar, with leucine, which is neutral and non-polar, at codon 137 of the NMNAT1 protein (p.Gln137Leu).

Blueprint Genetics
Classification: Uncertain significance. Last evaluated: 2022-02-02. Review status: criteria provided, single submitter. Criteria: ACMG Guidelines, 2015. Collection method: clinical testing. Allele origin: germline.

NM_022787.4(NMNAT1):c.410A>T (p.Gln137Leu)

Gene: NMNAT1 (nicotinamide nucleotide adenylyltransferase 1; plus strand). Cytogenetic location: 1p36.22.
Variant type: single nucleotide variant.
Coding change: c.410A>T on transcript NM_022787.4 (MANE Select); coding-DNA position 410, A replaced by T.
Protein change: p.Gln137Leu; replaces glutamine 137 with leucine.
Molecular consequence: missense variant.
Genome position (GRCh38, 1-based): chr1:9,981,141, A>T. VCF-style: chr1-9981141-A-T. GRCh37 (hg19) VCF-style: chr1-10041199-A-T.
Other names: c.410A>T, p.Gln137Leu (NM_001297778.1, NM_001297779.2); c.410A>T (NM_022787.3); short protein forms Q137L.
Identifiers: ClinVar variation 1397175 (VCV001397175.8), dbSNP rs200333003, ClinGen allele CA18239087.